The following is an entry in ClinVar:

NM_022828.5(YTHDC2):c.1689-8_1689-4del

Gene: YTHDC2 (YTH N6-methyladenosine RNA binding protein C2; plus strand). Cytogenetic location: 5q22.2.
Variant type: Deletion.
Coding change: c.1689-8_1689-4del on transcript NM_022828.5 (MANE Select); 8 bases into the intron before coding-DNA position 1689 through 4 bases into the intron before coding-DNA position 1689, 5 bases deleted (TTTTT; older notation c.1689-8_1689-4delTTTTT).
Molecular consequence: intron variant.
Genome position (GRCh38, 1-based): chr5:113,553,173-113,553,177, TTTTT deleted; deleting any 5 consecutive bases within chr5:113,553,158-113,553,177 gives the same sequence; the c. name uses the placement nearest the transcript's 3' end. VCF-style (leftmost placement, unchanged base first): chr5-113553157-CTTTTT-C. GRCh37 (hg19) VCF-style: chr5-112888854-CTTTTT-C.
Other names: c.1203-8_1203-4del (NM_001345975.2); c.789-8_789-4del (NM_001345976.2).
Identifiers: ClinVar variation 3038830 (VCV003038830.2), dbSNP rs34053583, ClinGen allele CA1080263048.

ClinVar aggregate classification (germline): Likely benign (0 of 4 stars; one submission).

Conditions:
YTHDC2-related disorder. Also called: YTHDC2-related condition.

Submission:

PreventionGenetics, part of Exact Sciences
Classification: Likely benign for YTHDC2-related condition. Last evaluated: 2019-09-04. Review status: no assertion criteria provided. Collection method: clinical testing. Allele origin: germline.
Comment: This variant is classified as likely benign based on ACMG/AMP sequence variant interpretation guidelines (Richards et al. 2015 PMID: 25741868, with internal and published modifications).